The following is an entry in ClinVar:

NM_005502.4(ABCA1):c.5606T>G (p.Leu1869Arg)

Gene: ABCA1 (ATP binding cassette subfamily A member 1; minus strand). Cytogenetic location: 9q31.1.
Variant type: single nucleotide variant.
Coding change: c.5606T>G on transcript NM_005502.4 (MANE Select); coding-DNA position 5606, T replaced by G.
Protein change: p.Leu1869Arg; replaces leucine 1869 with arginine.
Molecular consequence: missense variant.
Genome position (GRCh38, 1-based): chr9:104,793,201, A>C on the plus strand (T>G on the coding strand, the complement: ABCA1 is on the minus strand). VCF-style: chr9-104793201-A-C. GRCh37 (hg19) VCF-style: chr9-107555482-A-C.
Other names: short protein forms L1869R.
Identifiers: ClinVar variation 1748601 (VCV001748601.3), dbSNP rs1170155941, ClinGen allele CA374312509.
Genomic context (GRCh38, chr9:104,793,201, plus strand): 5'-GTGCTCCACGGGTTCTAAGAAAAAGCTCACCTGGGCCTGATGAAGAATCTGTACTGGATC[A>C]GAACAGTAATGAGGAAGAACACCACCCCTTCCACGGCCATGGCGAAGAGGTTTCGTCCCA-3'
Protein context (NP_005493.2, residues 1859-1879): EGVVFFLITV[Leu1869Arg]IQYRFFIRPR

ClinVar aggregate classification (germline): Uncertain significance (1 of 4 stars; one submission).

Conditions:
Cardiovascular phenotype. Identifiers: MedGen CN230736.

Allele frequency attached by ClinVar (database versions not stated): gnomAD exomes below 0.00001; gnomAD 0.00001.
gnomAD v4.1: 4 of 1,614,064 alleles (0.00025%); highest among the groups gnomAD compares: Non-Finnish European, 0.00034%; no homozygotes.

Submission:

Ambry Genetics
Classification: Uncertain significance for Cardiovascular phenotype. Last evaluated: 2024-10-04. Review status: criteria provided, single submitter. Criteria: Ambry Variant Classification Scheme 2023. Collection method: clinical testing. Allele origin: germline.
Comment: The p.L1869R variant (also known as c.5606T>G), located in coding exon 40 of the ABCA1 gene, results from a T to G substitution at nucleotide position 5606. The leucine at codon 1869 is replaced by arginine, an amino acid with dissimilar properties. This amino acid position is conserved. In addition, this alteration is predicted to be deleterious by in silico analysis. Since supporting evidence is limited at this time, the clinical significance of this alteration remains unclear.